The following is an entry in ClinVar:

ClinVar aggregate classification (germline): Uncertain significance (1 of 4 stars; one submission).

gnomAD v4.1: 1 of 1,614,022 alleles (0.000062%); highest among the groups gnomAD compares: African/African-American, 0.0013%; no homozygotes.

Submission:

GeneDx
Classification: Uncertain significance. Last evaluated: 2025-04-22. Review status: criteria provided, single submitter. Criteria: GeneDx Variant Classification Process June 2021. Collection method: clinical testing. Allele origin: germline. Affected: yes.
Comment: Not observed at significant frequency in large population cohorts (gnomAD); In silico analysis supports that this missense variant has a deleterious effect on protein structure/function; Has not been previously published as pathogenic or benign to our knowledge

NM_001692.4(ATP6V1B1):c.332A>T (p.Asp111Val)

Gene: ATP6V1B1 (ATPase H+ transporting V1 subunit B1; plus strand). Cytogenetic location: 2p13.3.
Variant type: single nucleotide variant.
Coding change: c.332A>T on transcript NM_001692.4 (MANE Select); coding-DNA position 332, A replaced by T.
Protein change: p.Asp111Val; replaces aspartic acid 111 with valine.
Molecular consequence: missense variant.
Genome position (GRCh38, 1-based): chr2:70,958,391, A>T. VCF-style: chr2-70958391-A-T. GRCh37 (hg19) VCF-style: chr2-71185521-A-T.
Other names: short protein forms D111V.
Identifiers: ClinVar variation 4527216 (VCV004527216.1).